The following is an entry in ClinVar:

ClinVar aggregate classification (germline): Uncertain significance. Review status: criteria provided, multiple submitters, no conflicts (2 of 4 stars). 2 submissions from 2 submitters: Uncertain significance (2). Last evaluated 2024-03-21.

Conditions:
Inborn genetic diseases. Identifiers: MedGen C0950123, MeSH D030342.

Allele frequency attached by ClinVar (database versions not stated): gnomAD 0.00001; gnomAD exomes 0.00001; TOPMed 0.00002.
gnomAD v4.1: 8 of 1,549,176 alleles (0.00052%); highest among the groups gnomAD compares: Admixed American, 0.002%; no homozygotes.

Submissions (2):

Ambry Genetics
Classification: Uncertain significance for Inborn genetic diseases. Last evaluated: 2024-03-21. Review status: criteria provided, single submitter. Criteria: Ambry Variant Classification Scheme 2023. Collection method: clinical testing. Allele origin: germline.

CeGaT Center for Human Genetics Tuebingen
Classification: Uncertain significance. Last evaluated: 2022-07-01. Review status: criteria provided, single submitter. Criteria: CeGaT Center For Human Genetics Tuebingen Variant Classification Criteria Version 2. Collection method: clinical testing. Allele origin: germline. Affected: yes. Observed: 1 variant allele.
Comment: ELN: PM2:Supporting, BP4

NM_000501.4(ELN):c.1873G>A (p.Ala625Thr)

Gene: ELN (elastin; plus strand). Cytogenetic location: 7q11.23.
Variant type: single nucleotide variant.
Coding change: c.1873G>A on transcript NM_000501.4 (MANE Select); coding-DNA position 1873, G replaced by A.
Protein change: p.Ala625Thr; replaces alanine 625 with threonine.
Molecular consequence: missense variant.
Genome position (GRCh38, 1-based): chr7:74,063,324, G>A. VCF-style: chr7-74063324-G-A. GRCh37 (hg19) VCF-style: chr7-73477654-G-A.
Other names: c.1786G>A, p.Ala596Thr (NM_001081752.3); c.1831G>A, p.Ala611Thr (NM_001081753.3); c.1888G>A, p.Ala630Thr (NM_001081754.3); c.1816G>A, p.Ala606Thr (NM_001081755.3); c.1873G>A, p.Ala625Thr (NM_001278912.2); c.1630G>A, p.Ala544Thr (NM_001278913.2); c.1801G>A, p.Ala601Thr (NM_001278914.2); c.1891G>A, p.Ala631Thr (NM_001278915.2); and 5 more; short protein forms A536T, A544T, A577T, A596T, A601T, A606T, A611T, A615T.
Identifiers: ClinVar variation 1701527 (VCV001701527.32), dbSNP rs1200675959, ClinGen allele CA367889742.
Genomic context (GRCh38, chr7:74,063,324, plus strand): 5'-TCTAACCAGTACAGAGTGCCTCCCTGAACTCGGTCTGTGTTCCCAGGAGCCGGACCCGCC[G>A]CCGCCGCTGCCGCAGCCAAAGCTGCTGCCAAAGCCGCCCAGTTTGGTGAGCACTGGGTGG-3'
Protein context (NP_000492.2, residues 615-635): PGGVVGAGPA[Ala625Thr]AAAAAKAAAK